The following is an entry in ClinVar:

ClinVar aggregate classification (germline): not provided (0 of 4 stars; one submission).

Submissions (6):

ITMI
No classification provided. Condition: AllHighlyPenetrant. Last evaluated: 2013-09-19. Review status: no classification provided. Collection method: reference population. Allele origin: germline.
Comment: Please see associated publication for description of ethnicities

Dr. Peter K. Rogan Lab, Western University
No classification provided (evidence only). Condition: Cholangiocarcinoma. Review status: no classification provided. Collection method: in vitro. Allele origin: not applicable. Functional consequence: retained intron. Not counted in ClinVar's aggregate classification.

Dr. Peter K. Rogan Lab, Western University
No classification provided (evidence only). Condition: Colon adenocarcinoma. Review status: no classification provided. Collection method: in vitro. Allele origin: not applicable. Functional consequence: retained intron. Not counted in ClinVar's aggregate classification.

Dr. Peter K. Rogan Lab, Western University
No classification provided (evidence only). Condition: Hepatocellular carcinoma. Review status: no classification provided. Collection method: in vitro. Allele origin: not applicable. Functional consequence: retained intron. Not counted in ClinVar's aggregate classification.

Dr. Peter K. Rogan Lab, Western University
No classification provided (evidence only). Condition: Hepatocellular carcinoma. Review status: no classification provided. Collection method: in vitro. Allele origin: not applicable. Functional consequence: retained intron. Not counted in ClinVar's aggregate classification.

Dr. Peter K. Rogan Lab, Western University
No classification provided (evidence only). Condition: Malignant tumor of esophagus. Review status: no classification provided. Collection method: in vitro. Allele origin: not applicable. Functional consequence: retained intron. Not counted in ClinVar's aggregate classification.

Literature cited by the submitters: PubMed 24728327 (cited by ITMI).

NM_001077706.3(ECT2L):c.2028+1_2028+9del

Genes: ECT2L (epithelial cell transforming 2 like; plus strand), LOC129997295 (ATAC-STARR-seq lymphoblastoid active region 25164; plus strand). Cytogenetic location: 6q24.1.
Variant type: Deletion.
Coding change: c.2028+1_2028+9del on transcript NM_001077706.3 (MANE Select); the canonical splice donor site of the intron after coding-DNA position 2028 through 9 bases into the intron after coding-DNA position 2028, 9 bases deleted (GTAAATGAG; older notation c.2028+1_2028+9delGTAAATGAG).
Molecular consequence: splice donor variant.
Genome position (GRCh38, 1-based): chr6:138,882,872-138,882,880, GTAAATGAG deleted; deleting any 9 consecutive bases within chr6:138,882,870-138,882,880 gives the same sequence; the c. name uses the placement nearest the transcript's 3' end. VCF-style (leftmost placement, unchanged base first): chr6-138882869-AAGGTAAATG-A. GRCh37 (hg19) VCF-style: chr6-139204006-AAGGTAAATG-A.
Other names: NC_000006.11:g.139204009_139204017del; c.2028+1_2028+9del (NM_001195037.2).
Identifiers: ClinVar variation 133997 (VCV000133997.2), dbSNP rs554645676, ClinGen allele CA158371.
Genomic context (GRCh38, chr6:138,882,869, plus strand): 5'-CAGTTAAACACATATACCAATTTCTTCAACAATTACCCTGTCATTCTGAAAACTATTGAG[AAGGTAAATG>A]AGTTTCAATTCCATCATTCTATAAGACCTGAGCTAGAAAGGAAGTTACGTGTGGAACCCG-3'